The following is an entry in ClinVar:

NM_019066.5(MAGEL2):c.3723C>A (p.Gly1241=)

Gene: MAGEL2 (MAGE family member L2; minus strand). Cytogenetic location: 15q11.2.
Variant type: single nucleotide variant.
Coding change: c.3723C>A on transcript NM_019066.5 (MANE Select); coding-DNA position 3723, C replaced by A.
Protein change: p.Gly1241=; no amino-acid change (glycine 1241 retained).
Molecular consequence: synonymous variant.
Genome position (GRCh38, 1-based): chr15:23,644,020, G>T on the plus strand (C>A on the coding strand, the complement: MAGEL2 is on the minus strand). VCF-style: chr15-23644020-G-T. GRCh37 (hg19) VCF-style: chr15-23889167-G-T.
Identifiers: ClinVar variation 2023408 (VCV002023408.4), dbSNP rs773859594, ClinGen allele CA489228277.

ClinVar aggregate classification (germline): Uncertain significance (1 of 4 stars; one submission).

Submission:

Labcorp Genetics (formerly Invitae), Labcorp
Classification: Uncertain significance. Last evaluated: 2023-05-08. Review status: criteria provided, single submitter. Criteria: Invitae Variant Classification Sherloc (09022015). Collection method: clinical testing. Allele origin: germline.
Comment: In summary, the available evidence is currently insufficient to determine the role of this variant in disease. Therefore, it has been classified as a Variant of Uncertain Significance. ClinVar contains an entry for this variant (Variation ID: 2023408). This variant has not been reported in the literature in individuals affected with MAGEL2-related conditions. This variant is not present in population databases (gnomAD no frequency). This sequence change affects codon 1241 of the MAGEL2 mRNA. It is a 'silent' change, meaning that it does not change the encoded amino acid sequence of the MAGEL2 protein.